The following is an entry in ClinVar:

ClinVar aggregate classification (germline): Uncertain significance. Review status: criteria provided, multiple submitters, no conflicts (2 of 4 stars). 2 submissions from 2 submitters: Uncertain significance (2). Last evaluated 2024-02-22.

Conditions:
Classic or attenuated familial adenomatous polyposis. Identifiers: MedGen CN372698, MONDO:0021057.
Familial adenomatous polyposis 1 (FAP1). Also called: POLYPOSIS, ADENOMATOUS INTESTINAL; FAMILIAL ADENOMATOUS POLYPOSIS 1, ATTENUATED. Identifiers: MedGen C2713442, MONDO:0021056, OMIM 175100. Disease mechanism: loss of function.

Submissions (2):

All of Us Research Program, National Institutes of Health
Classification: Uncertain significance for Classic or attenuated familial adenomatous polyposis. Last evaluated: 2024-02-22. Review status: criteria provided, single submitter. Criteria: ACMG Guidelines, 2015. Collection method: clinical testing. Allele origin: germline. Inheritance: Autosomal dominant inheritance. Observed: 1 variant allele, 1 heterozygote.
Comment: This variant causes an in-frame deletion of two amino acids in exon 16. To our knowledge, functional studies have not been reported for this variant. This variant has not been reported in individuals affected with APC-related disorders in the literature. This variant has not been identified in the general population by the Genome Aggregation Database (gnomAD). The available evidence is insufficient to determine the role of this variant in disease conclusively. Therefore, this variant is classified as a Variant of Uncertain Significance.

This study involves interpretation of variants in research participants for the purpose of population health screening. Participant phenotype was not available at the time of variant classification. Additional details can be found in publication PMID: 35346344, PMCID: PMC8962531

Labcorp Genetics (formerly Invitae), Labcorp
Classification: Uncertain significance for Familial adenomatous polyposis 1. Last evaluated: 2023-04-07. Review status: criteria provided, single submitter. Criteria: Invitae Variant Classification Sherloc (09022015). Collection method: clinical testing. Allele origin: germline.
Comment: This variant, c.7221_7226del, results in the deletion of 2 amino acid(s) of the APC protein (p.Asn2408_Gly2409del), but otherwise preserves the integrity of the reading frame. This variant is not present in population databases (gnomAD no frequency). This variant has not been reported in the literature in individuals affected with APC-related conditions. Experimental studies and prediction algorithms are not available or were not evaluated, and the functional significance of this variant is currently unknown. In summary, the available evidence is currently insufficient to determine the role of this variant in disease. Therefore, it has been classified as a Variant of Uncertain Significance.

NM_000038.6(APC):c.7215TAATGG[1] (p.2406NG[1])

Gene: APC (APC regulator of Wnt signaling pathway; plus strand). Cytogenetic location: 5q22.2.
Variant type: Microsatellite.
Coding change: c.7215TAATGG[1] on transcript NM_000038.6 (MANE Select); one copy of the 6-base unit TAATGG starting at c.7215; the reference has two copies in a row; one copy, 6 bases deleted.
Protein change: p.2406NG[1].
Molecular consequence: inframe deletion. On other transcripts: inframe indel (20).
Genome position (GRCh38, 1-based): chr5:112,842,815-112,842,820, TAATGG deleted; deleting any 6 consecutive bases within chr5:112,842,809-112,842,820 gives the same sequence; the position shown is the placement nearest the transcript's 3' end. VCF-style (leftmost placement, unchanged base first): chr5-112842808-ATAATGG-A. GRCh37 (hg19) VCF-style: chr5-112178505-ATAATGG-A.
Other names: c.7215TAATGG[1], p.2406NG[1] (NM_001127510.3, NM_001354895.2); c.7161TAATGG[1], p.2388NG[1] (NM_001127511.3); c.7269TAATGG[1], p.2424NG[1] (NM_001354896.2); c.7245TAATGG[1], p.2416NG[1] (NM_001354897.2); c.7140TAATGG[1], p.2381NG[1] (NM_001354898.2); c.7131TAATGG[1], p.2378NG[1] (NM_001354899.2); c.7092TAATGG[1], p.2365NG[1] (NM_001354900.2); c.7038TAATGG[1], p.2347NG[1] (NM_001354901.2); and 16 more.
Identifiers: ClinVar variation 2077267 (VCV002077267.5), dbSNP rs1766415706, ClinGen allele CA1080214308.